The following is an entry in ClinVar:

ClinVar aggregate classification (germline): Uncertain significance (1 of 4 stars; one submission).

gnomAD v4.1: 1 of 1,612,078 alleles (0.000062%); highest among the groups gnomAD compares: Admixed American, 0.0017%; no homozygotes.

Submission:

Athena Diagnostics
Classification: Uncertain significance. Last evaluated: 2023-11-01. Review status: criteria provided, single submitter. Criteria: Athena Diagnostics Criteria. Collection method: clinical testing. Allele origin: unknown.
Comment: Available data are insufficient to determine the clinical significance of the variant at this time. The frequency of this variant in the general population is uninformative in assessment of its pathogenicity. Computational tools disagree on the variant's effect on normal protein function.

NM_001267550.2(TTN):c.22876A>C (p.Ile7626Leu)

Gene: TTN (titin; minus strand). Cytogenetic location: 2q31.2.
Variant type: single nucleotide variant.
Coding change: c.22876A>C on transcript NM_001267550.2 (MANE Select); coding-DNA position 22876, A replaced by C.
Protein change: p.Ile7626Leu; replaces isoleucine 7626 with leucine.
Molecular consequence: missense variant. On other transcripts: intron variant (3).
Genome position (GRCh38, 1-based): chr2:178,721,143, T>G on the plus strand (A>C on the coding strand, the complement: TTN is on the minus strand). VCF-style: chr2-178721143-T-G. GRCh37 (hg19) VCF-style: chr2-179585870-T-G.
Other names: c.21925A>C, p.Ile7309Leu (NM_001256850.1); c.19144A>C, p.Ile6382Leu (NM_133378.4); c.13282+16939A>C (NM_003319.4); c.13858+16939A>C (NM_133437.4); c.13657+16939A>C (NM_133432.3); short protein forms I6382L, I7626L, I7309L.
Identifiers: ClinVar variation 3571906 (VCV003571906.1).